The following is an entry in ClinVar:

ClinVar aggregate classification (germline): Uncertain significance (1 of 4 stars; one submission).

gnomAD v4.1: 49 of 1,613,502 alleles (0.003%); highest among the groups gnomAD compares: Non-Finnish European, 0.0036%; no homozygotes.

Submission:

Labcorp Genetics (formerly Invitae), Labcorp
Classification: Uncertain significance. Last evaluated: 2025-10-12. Review status: criteria provided, single submitter. Criteria: Invitae Variant Classification Sherloc (09022015). Collection method: clinical testing. Allele origin: germline.
Comment: This sequence change replaces aspartic acid, which is acidic and polar, with valine, which is neutral and non-polar, at codon 198 of the MMP13 protein (p.Asp198Val). This variant is present in population databases (rs150048151, gnomAD 0.0009%). This variant has not been reported in the literature in individuals affected with MMP13-related conditions. Invitae Evidence Modeling of protein sequence and biophysical properties (such as structural, functional, and spatial information, amino acid conservation, physicochemical variation, residue mobility, and thermodynamic stability) indicates that this missense variant is expected to disrupt MMP13 protein function with a positive predictive value of 80%. In summary, the available evidence is currently insufficient to determine the role of this variant in disease. Therefore, it has been classified as a Variant of Uncertain Significance.

NM_002427.4(MMP13):c.593A>T (p.Asp198Val)

Gene: MMP13 (matrix metallopeptidase 13; minus strand). Cytogenetic location: 11q22.2.
Variant type: single nucleotide variant.
Coding change: c.593A>T on transcript NM_002427.4 (MANE Select); coding-DNA position 593, A replaced by T.
Protein change: p.Asp198Val; replaces aspartic acid 198 with valine.
Molecular consequence: missense variant.
Genome position (GRCh38, 1-based): chr11:102,954,200, T>A on the plus strand (A>T on the coding strand, the complement: MMP13 is on the minus strand). VCF-style: chr11-102954200-T-A. GRCh37 (hg19) VCF-style: chr11-102824929-T-A.
Other names: short protein forms D198V.
Identifiers: ClinVar variation 4749341 (VCV004749341.1).